The following is an entry in ClinVar:

NM_001384474.1(LOXHD1):c.3833G>A (p.Trp1278Ter)

Gene: LOXHD1 (lipoxygenase homology PLAT domains 1; minus strand). Cytogenetic location: 18q21.1.
Variant type: single nucleotide variant.
Coding change: c.3833G>A on transcript NM_001384474.1 (MANE Select); coding-DNA position 3833, G replaced by A.
Protein change: p.Trp1278Ter; replaces tryptophan 1278 with a stop codon.
Molecular consequence: nonsense.
Genome position (GRCh38, 1-based): chr18:46,541,856, C>T on the plus strand (G>A on the coding strand, the complement: LOXHD1 is on the minus strand). VCF-style: chr18-46541856-C-T. GRCh37 (hg19) VCF-style: chr18-44121819-C-T.
Other names: c.500G>A, p.Trp167Ter (NM_001145472.3); c.212G>A, p.Trp71Ter (NM_001308013.2); c.3833G>A, p.Trp1278Ter (NM_144612.7); short protein forms W1278*, W167*, W71*.
Identifiers: ClinVar variation 3601203 (VCV003601203.1).

ClinVar aggregate classification (germline): Pathogenic (1 of 4 stars; one submission).

Conditions:
Autosomal recessive nonsyndromic hearing loss 77. Identifiers: Orphanet 90636, MedGen C2746083, MONDO:0013119, OMIM 613079.

gnomAD v4.1: 1 of 1,551,732 alleles (0.000064%); highest among the groups gnomAD compares: Middle Eastern, 0.017%; no homozygotes.

Submission:

Institute of Rare Diseases, West China Hospital, Sichuan University
Classification: Pathogenic for Autosomal recessive nonsyndromic hearing loss 77. Last evaluated: 2025-01-09. Review status: criteria provided, single submitter. Criteria: ClinGen HL ACMG Specifications v1. Collection method: research. Allele origin: germline. Affected: yes.
Comment: PVS1;PM3_Supporting;PM2_Supporting